The following is an entry in ClinVar:

ClinVar aggregate classification (germline): Pathogenic. Review status: criteria provided, multiple submitters, no conflicts (2 of 4 stars). 4 submissions from 4 submitters: Pathogenic (3). 1 of the submissions does not count toward it. Last evaluated 2025-12-18.

Conditions:
Peroxisome biogenesis disorder 7A (Zellweger). Also called: Peroxisome biogenesis disorder 7A. Identifiers: Orphanet 912, MedGen C3888385, MONDO:0013938, OMIM 614872.
Peroxisome biogenesis disorder 7B (PBD7B). Identifiers: Orphanet 44, MedGen C3553951, MONDO:0013939, OMIM 614873.
Peroxisome biogenesis disorder. Identifiers: Orphanet 79189, MedGen C1832200, MONDO:0019234. Disease mechanism: loss of function.

gnomAD v4.1: 12 of 1,597,762 alleles (0.00075%); highest among the groups gnomAD compares: Admixed American, 0.0017%; no homozygotes.

Submissions (4):

Labcorp Genetics (formerly Invitae), Labcorp
Classification: Pathogenic for Peroxisome biogenesis disorder 7A (Zellweger); Peroxisome biogenesis disorder 7B. Last evaluated: 2025-12-18. Review status: criteria provided, single submitter. Criteria: Invitae Variant Classification Sherloc (09022015). Collection method: clinical testing. Allele origin: germline.
Comment: This sequence change affects a donor splice site in intron 2 of the PEX26 gene. It is expected to disrupt RNA splicing. Variants that disrupt the donor or acceptor splice site typically lead to a loss of protein function (PMID: 16199547), and loss-of-function variants in PEX26 are known to be pathogenic (PMID: 12851857, 21031596). This variant is not present in population databases (gnomAD no frequency). Disruption of this splice site has been observed in individuals with Zellweger syndrome (PMID: 16257970, 27392320, 29947050). This variant is also known as intG231T. ClinVar contains an entry for this variant (Variation ID: 2159). Algorithms developed to predict the effect of sequence changes on RNA splicing suggest that this variant may disrupt the consensus splice site. For these reasons, this variant has been classified as Pathogenic.

Baylor Genetics
Classification: Pathogenic for Peroxisome biogenesis disorder 7A (Zellweger). Last evaluated: 2023-03-17. Review status: criteria provided, single submitter. Criteria: ACMG Guidelines, 2015. Collection method: clinical testing. Allele origin: unknown.

Women's Health and Genetics/Laboratory Corporation of America, LabCorp
Classification: Pathogenic for Peroxisome biogenesis disorder. Last evaluated: 2022-12-05. Review status: criteria provided, single submitter. Criteria: LabCorp Variant Classification Summary - May 2015. Collection method: clinical testing. Allele origin: germline.
Comment: Variant summary: PEX26 c.230+1G>T is located in a canonical splice-site and is predicted to affect mRNA splicing resulting in a significantly altered protein due to either exon skipping, shortening, or inclusion of intronic material. Several computational tools predict a significant impact on normal splicing: Four predict the variant abolishes a 5 prime splicing donor site. At least one publication reports experimental evidence that this variant affects mRNA splicing (e.g. Furuki_2006). The variant was absent in 213784 control chromosomes. c.230+1G>T has been reported in the literature in individuals affected with Zellweger Syndrome (e.g. Weller_2005, Furuki_2006, Daum_2019). These data indicate that the variant is likely to be associated with disease. At least two publications report experimental evidence evaluating an impact on protein function (e.g. Weller_2005, Furuki_2006). The most pronounced variant effect results in <10% of normal activity, with the Pex26 variant protein showing only residual protein import function in peroxisomes and immunoblots showing complete absence of protein in human proband fibroblast skin lines (Weller_2005). One clinical diagnostic laboratory has submitted clinical-significance assessments for this variant to ClinVar after 2014 and classified the variant as pathogenic. Based on the evidence outlined above, the variant was classified as pathogenic.

OMIM
Classification: Pathogenic for PEROXISOME BIOGENESIS DISORDER 7A (ZELLWEGER). Last evaluated: 2005-06-01. Review status: no assertion criteria provided. Collection method: literature only. Allele origin: germline. Not counted in ClinVar's aggregate classification.

Literature cited by the submitters: PubMed 16199547 (cited by Labcorp Genetics (formerly Invitae), Labcorp); PubMed 12851857 (cited by Labcorp Genetics (formerly Invitae), Labcorp); PubMed 21031596 (cited by Labcorp Genetics (formerly Invitae), Labcorp); PubMed 16257970 (cited by Labcorp Genetics (formerly Invitae), Labcorp and Women's Health and Genetics/Laboratory Corporation of America, LabCorp); PubMed 27392320 (cited by Labcorp Genetics (formerly Invitae), Labcorp); PubMed 29947050 (cited by Labcorp Genetics (formerly Invitae), Labcorp and Women's Health and Genetics/Laboratory Corporation of America, LabCorp); PubMed 15858711 (cited by Women's Health and Genetics/Laboratory Corporation of America, LabCorp and OMIM).

NM_001127649.3(PEX26):c.230+1G>T

Gene: PEX26 (peroxisomal biogenesis factor 26; plus strand). Cytogenetic location: 22q11.21.
Variant type: single nucleotide variant.
Coding change: c.230+1G>T on transcript NM_001127649.3 (MANE Select); the canonical splice donor site of the intron after coding-DNA position 230, G replaced by T.
Molecular consequence: splice donor variant.
Genome position (GRCh38, 1-based): chr22:18,078,607, G>T. VCF-style: chr22-18078607-G-T. GRCh37 (hg19) VCF-style: chr22-18561373-G-T.
Other names: IVS2DS, G-T, +1; c.230+1G>T (NM_017929.6, NM_001199319.2).
Identifiers: ClinVar variation 2159 (VCV000002159.9), dbSNP rs267608190, ClinGen allele CA115377.